The following is an entry in ClinVar:

ClinVar aggregate classification (germline): Likely benign (0 of 4 stars; one submission).

Conditions:
RAB12-related disorder. Also called: RAB12-related condition.

Allele frequency attached by ClinVar (database versions not stated): ESP Exome Variant Server 0.00042; ExAC 0.00051; gnomAD 0.00091; TOPMed 0.00101.
gnomAD v4.1: 1,526 of 1,591,208 alleles (0.096%); highest among the groups gnomAD compares: Admixed American, 0.15%; 1 homozygote.

Submissions (2):

PreventionGenetics, part of Exact Sciences
Classification: Likely benign for RAB12-related condition. Last evaluated: 2019-10-28. Review status: no assertion criteria provided. Collection method: clinical testing. Allele origin: germline.
Comment: This variant is classified as likely benign based on ACMG/AMP sequence variant interpretation guidelines (Richards et al. 2015 PMID: 25741868, with internal and published modifications).

Dr. Peter K. Rogan Lab, Western University
No classification provided (evidence only). Condition: Uveal melanoma. Review status: no classification provided. Collection method: in vitro. Allele origin: not applicable. Functional consequence: retained intron. Not counted in ClinVar's aggregate classification.

NM_001025300.3(RAB12):c.910-6C>T

Gene: RAB12 (RAB12, member RAS oncogene family; plus strand). Cytogenetic location: 18p11.22.
Variant type: single nucleotide variant.
Coding change: c.910-6C>T on transcript NM_001025300.3 (MANE Select); 6 bases into the intron before coding-DNA position 910, C replaced by T.
Molecular consequence: intron variant.
Genome position (GRCh38, 1-based): chr18:8,638,143, C>T. VCF-style: chr18-8638143-C-T. GRCh37 (hg19) VCF-style: chr18-8638141-C-T.
Other names: NC_000018.9:g.8638141C>T.
Identifiers: ClinVar variation 3045298 (VCV003045298.3), dbSNP rs369554529, ClinGen allele CA8885359.